The following is an entry in ClinVar:

ClinVar aggregate classification (germline): Uncertain significance. Review status: criteria provided, multiple submitters, no conflicts (2 of 4 stars). 2 submissions from 2 submitters: Uncertain significance (2). Last evaluated 2022-09-14.

Conditions:
Congenital muscular dystrophy due to integrin alpha-7 deficiency. Also called: MYOPATHY, CONGENITAL, DUE TO INTEGRIN ALPHA-7 DEFICIENCY; Congenital muscular dystrophy with integrin alpha-7 deficiency; Muscular dystrophy, congenital, due to ITGA7 deficiency. Identifiers: Orphanet 34520, MedGen C2750786, MONDO:0013177, OMIM 613204.

Allele frequency attached by ClinVar (database versions not stated): gnomAD exomes 0.00001 and 0.00004; ExAC 0.00005; ESP Exome Variant Server 0.00008; TOPMed 0.00008; gnomAD 0.00009 and 0.00010; 1000 Genomes Project 30x 0.00016; 1000 Genomes Project 0.00020.

Submissions (2):

Ambry Genetics
Classification: Uncertain significance. Last evaluated: 2022-09-14. Review status: criteria provided, single submitter. Criteria: Ambry Variant Classification Scheme 2023. Collection method: clinical testing. Allele origin: germline.

Labcorp Genetics (formerly Invitae), Labcorp
Classification: Uncertain significance for Congenital muscular dystrophy due to integrin alpha-7 deficiency. Last evaluated: 2018-12-04. Review status: criteria provided, single submitter. Criteria: Invitae Variant Classification Sherloc (09022015). Collection method: clinical testing. Allele origin: germline.
Comment: In summary, the available evidence is currently insufficient to determine the role of this variant in disease. Therefore, it has been classified as a Variant of Uncertain Significance. Algorithms developed to predict the effect of missense changes on protein structure and function output the following: SIFT: "Tolerated"; PolyPhen-2: "Benign"; Align-GVGD: "Class C0". The asparagine amino acid residue is found in multiple mammalian species, suggesting that this missense change does not adversely affect protein function. These predictions have not been confirmed by published functional studies and their clinical significance is uncertain. This variant has not been reported in the literature in individuals with ITGA7-related conditions. This variant is present in population databases (rs149269456, ExAC 0.05%). This sequence change replaces serine with asparagine at codon 547 of the ITGA7 protein (p.Ser547Asn). The serine residue is moderately conserved and there is a small physicochemical difference between serine and asparagine.

NM_002206.3(ITGA7):c.1640G>A (p.Ser547Asn)

Gene: ITGA7 (integrin subunit alpha 7; minus strand). Cytogenetic location: 12q13.2.
Variant type: single nucleotide variant.
Coding change: c.1640G>A on transcript NM_002206.3 (MANE Select); coding-DNA position 1640, G replaced by A.
Protein change: p.Ser547Asn; replaces serine 547 with asparagine.
Molecular consequence: missense variant.
Genome position (GRCh38, 1-based): chr12:55,696,996, C>T on the plus strand (G>A on the coding strand, the complement: ITGA7 is on the minus strand). VCF-style: chr12-55696996-C-T. GRCh37 (hg19) VCF-style: chr12-56090780-C-T.
Other names: c.1652G>A, p.Ser551Asn (NM_001144996.2); c.1361G>A, p.Ser454Asn (NM_001144997.2); c.1313G>A, p.Ser438Asn (NM_001367993.1); c.296G>A, p.Ser99Asn (NM_001367994.1); c.1622G>A, p.Ser541Asn (NM_001374465.1); c.1772G>A, p.Ser591Asn (NM_001410977.1); c.1634G>A, p.Ser545Asn (NM_001414029.1); c.1565G>A, p.Ser522Asn (NM_001414030.1); and 5 more; short protein forms S454N, S438N, S547N, S551N, S99N, S541N, S591N, S486N.
Identifiers: ClinVar variation 661354 (VCV000661354.8), dbSNP rs149269456, ClinGen allele CA6615872.